The following is an entry in ClinVar:

NM_001042681.2(RERE):c.4453C>T (p.His1485Tyr)

Gene: RERE (arginine-glutamic acid dipeptide repeats; minus strand). Cytogenetic location: 1p36.23.
Variant type: single nucleotide variant.
Coding change: c.4453C>T on transcript NM_001042681.2 (MANE Select); coding-DNA position 4453, C replaced by T.
Protein change: p.His1485Tyr; replaces histidine 1485 with tyrosine.
Molecular consequence: missense variant.
Genome position (GRCh38, 1-based): chr1:8,356,133, G>A on the plus strand (C>T on the coding strand, the complement: RERE is on the minus strand). VCF-style: chr1-8356133-G-A. GRCh37 (hg19) VCF-style: chr1-8416193-G-A.
Other names: c.2791C>T, p.His931Tyr (NM_001042682.2); c.4453C>T, p.His1485Tyr (NM_012102.4); short protein forms H1485Y, H931Y.
Identifiers: ClinVar variation 2096768 (VCV002096768.4), dbSNP rs1641283252, ClinGen allele CA338168465.

ClinVar aggregate classification (germline): Uncertain significance (1 of 4 stars; one submission).

Allele frequency attached by ClinVar (database versions not stated): gnomAD exomes below 0.00001; TOPMed below 0.00001.
gnomAD v4.1: 2 of 1,512,936 alleles (0.00013%); highest among the groups gnomAD compares: Non-Finnish European, 0.00018%; no homozygotes.

Submission:

Labcorp Genetics (formerly Invitae), Labcorp
Classification: Uncertain significance. Last evaluated: 2022-02-11. Review status: criteria provided, single submitter. Criteria: Invitae Variant Classification Sherloc (09022015). Collection method: clinical testing. Allele origin: germline.
Comment: In summary, the available evidence is currently insufficient to determine the role of this variant in disease. Therefore, it has been classified as a Variant of Uncertain Significance. Advanced modeling of protein sequence and biophysical properties (such as structural, functional, and spatial information, amino acid conservation, physicochemical variation, residue mobility, and thermodynamic stability) performed at Invitae indicates that this missense variant is expected to disrupt RERE protein function. This variant has not been reported in the literature in individuals affected with RERE-related conditions. This variant is not present in population databases (gnomAD no frequency). This sequence change replaces histidine, which is basic and polar, with tyrosine, which is neutral and polar, at codon 1485 of the RERE protein (p.His1485Tyr).